The following is an entry in ClinVar:

NM_020832.3(ZNF687):c.979C>T (p.Pro327Ser)

Gene: ZNF687 (zinc finger protein 687; plus strand). Cytogenetic location: 1q21.3.
Variant type: single nucleotide variant.
Coding change: c.979C>T on transcript NM_020832.3 (MANE Select); coding-DNA position 979, C replaced by T.
Protein change: p.Pro327Ser; replaces proline 327 with serine.
Molecular consequence: missense variant.
Genome position (GRCh38, 1-based): chr1:151,287,270, C>T. VCF-style: chr1-151287270-C-T. GRCh37 (hg19) VCF-style: chr1-151259746-C-T.
Other names: c.979C>T, p.Pro327Ser (NM_001304763.2, NM_001304764.2); short protein forms P327S.
Identifiers: ClinVar variation 1931899 (VCV001931899.5), dbSNP rs777295146, ClinGen allele CA1088259.

ClinVar aggregate classification (germline): Uncertain significance (1 of 4 stars; one submission).

Allele frequency attached by ClinVar (database versions not stated): ExAC 0.00001; gnomAD 0.00001; gnomAD exomes 0.00001; TOPMed 0.00001.
gnomAD v4.1: 18 of 1,614,080 alleles (0.0011%); highest among the groups gnomAD compares: Non-Finnish European, 0.0014%; no homozygotes.

Submission:

Labcorp Genetics (formerly Invitae), Labcorp
Classification: Uncertain significance. Last evaluated: 2022-09-29. Review status: criteria provided, single submitter. Criteria: Invitae Variant Classification Sherloc (09022015). Collection method: clinical testing. Allele origin: germline.
Comment: In summary, the available evidence is currently insufficient to determine the role of this variant in disease. Therefore, it has been classified as a Variant of Uncertain Significance. Algorithms developed to predict the effect of missense changes on protein structure and function (SIFT, PolyPhen-2, Align-GVGD) all suggest that this variant is likely to be disruptive. This variant has not been reported in the literature in individuals affected with ZNF687-related conditions. This variant is present in population databases (rs777295146, gnomAD 0.0009%). This sequence change replaces proline, which is neutral and non-polar, with serine, which is neutral and polar, at codon 327 of the ZNF687 protein (p.Pro327Ser).